The following is an entry in ClinVar:

ClinVar aggregate classification (germline): Uncertain significance (1 of 4 stars; one submission).

Conditions:
Inborn genetic diseases. Identifiers: MedGen C0950123, MeSH D030342.

gnomAD v4.1: 1 of 1,591,456 alleles (0.000063%); highest among the groups gnomAD compares: Non-Finnish European, 0.000086%; no homozygotes.

Submission:

Ambry Genetics
Classification: Uncertain significance for Inborn genetic diseases. Last evaluated: 2025-01-06. Review status: criteria provided, single submitter. Criteria: Ambry Variant Classification Scheme 2023. Collection method: clinical testing. Allele origin: germline.
Comment: The p.S422F variant (also known as c.1265C>T), located in coding exon 11 of the ANKRD26 gene, results from a C to T substitution at nucleotide position 1265. The serine at codon 422 is replaced by phenylalanine, an amino acid with highly dissimilar properties. This amino acid position is conserved. In addition, this alteration is predicted to be tolerated by in silico analysis. Based on the available evidence, the clinical significance of this variant remains unclear.

NM_014915.3(ANKRD26):c.1265C>T (p.Ser422Phe)

Gene: ANKRD26 (ankyrin repeat domain containing 26; minus strand). Cytogenetic location: 10p12.1.
Variant type: single nucleotide variant.
Coding change: c.1265C>T on transcript NM_014915.3 (MANE Select); coding-DNA position 1265, C replaced by T.
Protein change: p.Ser422Phe; replaces serine 422 with phenylalanine.
Molecular consequence: missense variant.
Genome position (GRCh38, 1-based): chr10:27,066,491, G>A on the plus strand (C>T on the coding strand, the complement: ANKRD26 is on the minus strand). VCF-style: chr10-27066491-G-A. GRCh37 (hg19) VCF-style: chr10-27355420-G-A.
Other names: c.1265C>T, p.Ser422Phe (NM_001256053.2); short protein forms S422F.
Identifiers: ClinVar variation 3870078 (VCV003870078.1).
Genomic context (GRCh38, chr10:27,066,491, plus strand): 5'-TTTAACATCACTCAATGCTTATATTTTAAAATAATAGTAACAACCATAGAAAGTACCTCA[G>A]AATCCCAAGGTGATTCTATATCTTCCTCTTGTCCTAATCCTAATGCGGACATCATATCTA-3'
Protein context (NP_055730.2, residues 412-432): QEEDIESPWD[Ser422Phe]ESISENFPQK